The following is an entry in ClinVar:

ClinVar aggregate classification (germline): Uncertain significance. Review status: criteria provided, multiple submitters, no conflicts (2 of 4 stars). 2 submissions from 2 submitters: Uncertain significance (2). Last evaluated 2025-10-06.

Conditions:
Inborn genetic diseases. Identifiers: MedGen C0950123, MeSH D030342.
Baller-Gerold syndrome (BGS). Also called: CRANIOSYNOSTOSIS WITH RADIAL DEFECTS. Identifiers: Orphanet 1225, MedGen C0265308, MONDO:0009039, OMIM 218600.

Allele frequency attached by ClinVar (database versions not stated): gnomAD 0.00001; gnomAD exomes 0.00004.
gnomAD v4.1: 52 of 1,609,820 alleles (0.0032%); highest among the groups gnomAD compares: Non-Finnish European, 0.0041%; no homozygotes.

Submissions (2):

Ambry Genetics
Classification: Uncertain significance for Inborn genetic diseases. Last evaluated: 2025-10-06. Review status: criteria provided, single submitter. Criteria: Ambry Variant Classification Scheme 2023. Collection method: clinical testing. Allele origin: germline.

Labcorp Genetics (formerly Invitae), Labcorp
Classification: Uncertain significance for Baller-Gerold syndrome. Last evaluated: 2024-04-23. Review status: criteria provided, single submitter. Criteria: Invitae Variant Classification Sherloc (09022015). Collection method: clinical testing. Allele origin: germline.
Comment: This sequence change replaces proline, which is neutral and non-polar, with serine, which is neutral and polar, at codon 268 of the RECQL4 protein (p.Pro268Ser). The frequency data for this variant in the population databases is considered unreliable, as metrics indicate poor data quality at this position in the gnomAD database. This variant has not been reported in the literature in individuals affected with RECQL4-related conditions. ClinVar contains an entry for this variant (Variation ID: 459517). Advanced modeling of protein sequence and biophysical properties (such as structural, functional, and spatial information, amino acid conservation, physicochemical variation, residue mobility, and thermodynamic stability) performed at Invitae indicates that this missense variant is not expected to disrupt RECQL4 protein function with a negative predictive value of 80%. In summary, the available evidence is currently insufficient to determine the role of this variant in disease. Therefore, it has been classified as a Variant of Uncertain Significance.

NM_004260.4(RECQL4):c.802C>T (p.Pro268Ser)

Gene: RECQL4 (RecQ like helicase 4; minus strand). Cytogenetic location: 8q24.3.
Variant type: single nucleotide variant.
Coding change: c.802C>T on transcript NM_004260.4 (MANE Select); coding-DNA position 802, C replaced by T.
Protein change: p.Pro268Ser; replaces proline 268 with serine.
Molecular consequence: missense variant.
Genome position (GRCh38, 1-based): chr8:144,516,317, G>A on the plus strand (C>T on the coding strand, the complement: RECQL4 is on the minus strand). VCF-style: chr8-144516317-G-A. GRCh37 (hg19) VCF-style: chr8-145741701-G-A.
Other names: short protein forms P268S.
Identifiers: ClinVar variation 459517 (VCV000459517.10), dbSNP rs561010978, ClinGen allele CA187688842.